The following is an entry in ClinVar:

NM_001379081.2(FREM1):c.6465A>G (p.Gln2155=)

Gene: FREM1 (FRAS1 related extracellular matrix 1; minus strand). Cytogenetic location: 9p22.3.
Variant type: single nucleotide variant.
Coding change: c.6465A>G on transcript NM_001379081.2 (MANE Select); coding-DNA position 6465, A replaced by G.
Protein change: p.Gln2155=; no amino-acid change (glutamine 2155 retained).
Molecular consequence: synonymous variant. On other transcripts: 3 prime UTR variant (1), non-coding transcript variant (3).
Genome position (GRCh38, 1-based): chr9:14,737,471, T>C on the plus strand (A>G on the coding strand, the complement: FREM1 is on the minus strand). VCF-style: chr9-14737471-T-C. GRCh37 (hg19) VCF-style: chr9-14737469-T-C.
Other names: c.2073A>G, p.Gln691= (NM_001177704.3, NM_001370061.2); c.*76A>G (NM_001370058.2); c.6465A>G, p.Gln2155= (NM_144966.7).
Identifiers: ClinVar variation 366100 (VCV000366100.49), dbSNP rs368790874, ClinGen allele CA4989380.
Genomic context (GRCh38, chr9:14,737,471, plus strand): 5'-ACACACATAATTATGAGGTTTGGCTCTCCTACAGTCTTTTGTTTGCCATTTCCCTTGTCT[T>C]TGAACCAAAACACAGCTCTTTCCAAGCTTGGAGCGTTGAGAGGGCCCTCTTCTCCCATTG-3'
Protein context (NP_001366010.1, residues 2145-2165): SKLGKSCVLV[Gln2155=]RQGKWQTKDC

ClinVar aggregate classification (germline): Conflicting classifications of pathogenicity. Review status: criteria provided, conflicting classifications (1 of 4 stars). 5 submissions from 5 submitters: Uncertain significance (1); Likely benign (4). Last evaluated 2026-01-12.

Conditions:
FREM1-related disorder. Also called: FREM1-related condition; FREM1-Related Disorders.
Oculotrichoanal syndrome (MOTA). Also called: MARLES SYNDROME; Manitoba Oculotrichoanal (MOTA) Syndrome. Identifiers: Orphanet 2717, MedGen C1855425, MONDO:0009560, OMIM 248450.

Allele frequency attached by ClinVar (database versions not stated): ESP Exome Variant Server 0.00033; ExAC 0.00037; gnomAD 0.00037 and 0.00039; gnomAD exomes 0.00043 and 0.00046; TOPMed 0.00044.
gnomAD v4.1: 698 of 1,613,884 alleles (0.043%); highest among the groups gnomAD compares: Middle Eastern, 0.45%; 1 homozygote.

Submissions (5):

Labcorp Genetics (formerly Invitae), Labcorp
Classification: Likely benign. Last evaluated: 2026-01-12. Review status: criteria provided, single submitter. Criteria: Invitae Variant Classification Sherloc (09022015). Collection method: clinical testing. Allele origin: germline.

CeGaT Center for Human Genetics Tuebingen
Classification: Likely benign. Last evaluated: 2026-01-01. Review status: criteria provided, single submitter. Criteria: CeGaT Center For Human Genetics Tuebingen Variant Classification Criteria Version 2. Collection method: clinical testing. Allele origin: germline. Affected: yes. Observed: 3 variant alleles.
Comment: FREM1: BP4, BP7

PreventionGenetics, part of Exact Sciences
Classification: Likely benign for FREM1-related condition. Last evaluated: 2025-03-05. Review status: criteria provided, single submitter. Criteria: ACMG Guidelines, 2015. Collection method: clinical testing. Allele origin: germline.
Comment: This variant is classified as likely benign based on ACMG/AMP sequence variant interpretation guidelines (Richards et al. 2015 PMID: 25741868, with internal and published modifications).

Blueprint Genetics
Classification: Likely benign. Last evaluated: 2024-09-18. Review status: criteria provided, single submitter. Criteria: ACMG Guidelines, 2015. Collection method: clinical testing. Allele origin: germline.

Illumina Laboratory Services, Illumina
Classification: Uncertain significance for Oculotrichoanal syndrome. Last evaluated: 2018-01-13. Review status: criteria provided, single submitter. Criteria: ICSL Variant Classification Criteria 13 December 2019. Collection method: clinical testing. Allele origin: germline.